The following is an entry in ClinVar:

ClinVar aggregate classification (germline): Uncertain significance (1 of 4 stars; one submission).

Conditions:
Hereditary cancer-predisposing syndrome. Also called: Hereditary Cancer Syndrome; Hereditary neoplastic syndrome; Neoplastic Syndromes, Hereditary; Tumor predisposition. Identifiers: Orphanet 140162, MedGen C0027672, MeSH D009386, MONDO:0015356.

Submission:

Ambry Genetics
Classification: Uncertain significance for Hereditary cancer-predisposing syndrome. Last evaluated: 2022-10-09. Review status: criteria provided, single submitter. Criteria: Ambry Variant Classification Scheme 2023. Collection method: clinical testing. Allele origin: germline.
Comment: The p.E491D variant (also known as c.1473G>C), located in coding exon 9 of the MEN1 gene, results from a G to C substitution at nucleotide position 1473. The glutamic acid at codon 491 is replaced by aspartic acid, an amino acid with highly similar properties. This amino acid position is conserved. In addition, this alteration is predicted to be tolerated by in silico analysis. Since supporting evidence is limited at this time, the clinical significance of this alteration remains unclear.

NM_001370259.2(MEN1):c.1473G>C (p.Glu491Asp)

Gene: MEN1 (menin 1; minus strand). Cytogenetic location: 11q13.1.
Variant type: single nucleotide variant.
Coding change: c.1473G>C on transcript NM_001370259.2 (MANE Select); coding-DNA position 1473, G replaced by C.
Protein change: p.Glu491Asp; replaces glutamic acid 491 with aspartic acid.
Molecular consequence: missense variant.
Genome position (GRCh38, 1-based): chr11:64,804,694, C>G on the plus strand (G>C on the coding strand, the complement: MEN1 is on the minus strand). VCF-style: chr11-64804694-C-G. GRCh37 (hg19) VCF-style: chr11-64572166-C-G.
Other names: c.1488G>C, p.Glu496Asp (NM_000244.4, NM_001407145.1, NM_130800.3 and 4 more transcripts); c.1599G>C, p.Glu533Asp (NM_001370251.2, NM_001407142.1, NM_001407143.1 and 1 more transcripts); c.1473G>C, p.Glu491Asp (NM_001370260.2, NM_001370261.2, NM_001407146.1 and 2 more transcripts); c.1368G>C, p.Glu456Asp (NM_001370262.2, NM_001370263.2, NM_001407148.1 and 1 more transcripts); c.1614G>C, p.Glu538Asp (NM_001407150.1); c.1494G>C, p.Glu498Asp (NM_001407151.1); c.1308G>C, p.Glu436Asp (NM_001407152.1); short protein forms E496D, E533D, E456D, E498D, E436D, E491D, E538D.
Identifiers: ClinVar variation 1773415 (VCV001773415.2), dbSNP rs1555163642, ClinGen allele CA381179091.